The following is an entry in ClinVar:

ClinVar aggregate classification (germline): Uncertain significance (1 of 4 stars; one submission).

Conditions:
Arrhythmogenic right ventricular dysplasia 8 (ARVD8). Also called: Arrhythmogenic Right Ventricular Dysplasia/Cardiomyopathy 8; ARRHYTHMOGENIC RIGHT VENTRICULAR DYSPLASIA, FAMILIAL, 8; ARRHYTHMOGENIC RIGHT VENTRICULAR CARDIOMYOPATHY 8. Identifiers: MedGen C1843896, MONDO:0011831, OMIM 607450.
Arrhythmogenic cardiomyopathy with wooly hair and keratoderma. Also called: Dilated cardiomyopathy with woolly hair and keratoderma; Arrhythmogenic cardiomyopathy with woolly hair and keratoderma; Carvajal syndrome; PALMOPLANTAR KERATODERMA WITH LEFT VENTRICULAR CARDIOMYOPATHY AND WOOLLY HAIR. Identifiers: Orphanet 65282, MedGen C1854063, MONDO:0011581, OMIM 605676.

Submission:

Labcorp Genetics (formerly Invitae), Labcorp
Classification: Uncertain significance for Arrhythmogenic cardiomyopathy with wooly hair and keratoderma; Arrhythmogenic right ventricular dysplasia 8. Last evaluated: 2022-10-10. Review status: criteria provided, single submitter. Criteria: Invitae Variant Classification Sherloc (09022015). Collection method: clinical testing. Allele origin: germline.
Comment: This sequence change falls in intron 4 of the DSP gene. It does not directly change the encoded amino acid sequence of the DSP protein. It affects a nucleotide within the consensus splice site. This variant is not present in population databases (gnomAD no frequency). This variant has not been reported in the literature in individuals affected with DSP-related conditions. Variants that disrupt the consensus splice site are a relatively common cause of aberrant splicing (PMID: 17576681, 9536098). Algorithms developed to predict the effect of sequence changes on RNA splicing suggest that this variant may disrupt the consensus splice site. In summary, the available evidence is currently insufficient to determine the role of this variant in disease. Therefore, it has been classified as a Variant of Uncertain Significance.

Literature cited by the submitters: PubMed 17576681; PubMed 9536098.

NM_004415.4(DSP):c.597+4A>C

Gene: DSP (desmoplakin; plus strand). Cytogenetic location: 6p24.3.
Variant type: single nucleotide variant.
Coding change: c.597+4A>C on transcript NM_004415.4 (MANE Select); 4 bases into the intron after coding-DNA position 597, A replaced by C.
Molecular consequence: intron variant.
Genome position (GRCh38, 1-based): chr6:7,559,404, A>C. VCF-style: chr6-7559404-A-C. GRCh37 (hg19) VCF-style: chr6-7559637-A-C.
Other names: c.597+4A>C (NM_001319034.2, NM_001008844.3).
Identifiers: ClinVar variation 2110691 (VCV002110691.4), dbSNP rs2533854141, ClinGen allele CA2580075369.